The following is an entry in ClinVar:

NM_006164.5(NFE2L2):c.307T>C (p.Ser103Pro)

Gene: NFE2L2 (NFE2 like bZIP transcription factor 2; minus strand). Cytogenetic location: 2q31.2.
Variant type: single nucleotide variant.
Coding change: c.307T>C on transcript NM_006164.5 (MANE Select); coding-DNA position 307, T replaced by C.
Protein change: p.Ser103Pro; replaces serine 103 with proline.
Molecular consequence: missense variant. On other transcripts: intron variant (2).
Genome position (GRCh38, 1-based): chr2:177,234,010, A>G on the plus strand (T>C on the coding strand, the complement: NFE2L2 is on the minus strand). VCF-style: chr2-177234010-A-G. GRCh37 (hg19) VCF-style: chr2-178098738-A-G.
Other names: c.307T>C (NM_006164.4, NM_006164.3); c.259T>C, p.Ser87Pro (NM_001145412.3, NM_001145413.3, NM_001313900.1 and 1 more transcripts); c.307T>C, p.Ser103Pro (NM_001313902.2); c.12+66T>C (NM_001313904.1); c.93+214T>C (NM_001313903.2); short protein forms S87P, S103P.
Identifiers: ClinVar variation 2163184 (VCV002163184.6), dbSNP rs570193504, ClinGen allele CA60884628.

ClinVar aggregate classification (germline): Uncertain significance. Review status: criteria provided, multiple submitters, no conflicts (2 of 4 stars). 3 submissions from 3 submitters: Uncertain significance (3). Last evaluated 2026-01-26.

Conditions:
NFE2L2-related disorder. Also called: NFE2L2-related condition.

Allele frequency attached by ClinVar (database versions not stated): gnomAD exomes 0.00001; TOPMed 0.00005; gnomAD 0.00011; 1000 Genomes Project 30x 0.00016; 1000 Genomes Project 0.00020.
gnomAD v4.1: 32 of 1,614,150 alleles (0.002%); highest among the groups gnomAD compares: Admixed American, 0.05%; 1 homozygote.

Submissions (3):

Labcorp Genetics (formerly Invitae), Labcorp
Classification: Uncertain significance. Last evaluated: 2026-01-26. Review status: criteria provided, single submitter. Criteria: Invitae Variant Classification Sherloc (09022015). Collection method: clinical testing. Allele origin: germline.
Comment: This sequence change replaces serine, which is neutral and polar, with proline, which is neutral and non-polar, at codon 103 of the NFE2L2 protein (p.Ser103Pro). This variant is present in population databases (rs570193504, gnomAD 0.03%), including at least one homozygous and/or hemizygous individual. This variant has not been reported in the literature in individuals affected with NFE2L2-related conditions. ClinVar contains an entry for this variant (Variation ID: 2163184). An algorithm developed to predict the effect of missense changes on protein structure and function (PolyPhen-2) suggests that this variant is likely to be disruptive. In summary, the available evidence is currently insufficient to determine the role of this variant in disease. Therefore, it has been classified as a Variant of Uncertain Significance.

Ambry Genetics
Classification: Uncertain significance. Last evaluated: 2025-04-20. Review status: criteria provided, single submitter. Criteria: Ambry Variant Classification Scheme 2023. Collection method: clinical testing. Allele origin: germline.

PreventionGenetics, part of Exact Sciences
Classification: Uncertain significance for NFE2L2-related condition. Last evaluated: 2023-03-08. Review status: criteria provided, single submitter. Criteria: ACMG Guidelines, 2015. Collection method: clinical testing. Allele origin: germline.
Comment: The NFE2L2 c.307T>C variant is predicted to result in the amino acid substitution p.Ser103Pro. To our knowledge, this variant has not been reported in the literature. This variant is reported in 0.029% of alleles in individuals of Latino descent in gnomAD, including one homozygote. Although we suspect that this variant may be benign, at this time, the clinical significance of this variant is uncertain due to the absence of conclusive functional and genetic evidence.